The following is an entry in ClinVar:

ClinVar aggregate classification (germline): Likely benign (1 of 4 stars; one submission).

Allele frequency attached by ClinVar (database versions not stated): gnomAD exomes 0.00001; ExAC 0.00003; gnomAD 0.00005; TOPMed 0.00007; 1000 Genomes Project 30x 0.00021; 1000 Genomes Project 0.00026.
gnomAD v4.1: 15 of 1,161,636 alleles (0.0013%); highest among the groups gnomAD compares: African/African-American, 0.026%; no homozygotes.

Submission:

CeGaT Center for Human Genetics Tuebingen
Classification: Likely benign. Last evaluated: 2022-09-01. Review status: criteria provided, single submitter. Criteria: CeGaT Center For Human Genetics Tuebingen Variant Classification Criteria Version 2. Collection method: clinical testing. Allele origin: germline. Affected: yes. Observed: 1 variant allele.
Comment: CD99L2: BP4, BP7

NM_031462.4(CD99L2):c.732C>T (p.Ser244=)

Gene: CD99L2 (CD99 molecule like 2; minus strand). Cytogenetic location: Xq28.
Variant type: single nucleotide variant.
Coding change: c.732C>T on transcript NM_031462.4 (MANE Select); coding-DNA position 732, C replaced by T.
Protein change: p.Ser244=; no amino-acid change (serine 244 retained).
Molecular consequence: synonymous variant.
Genome position (GRCh38, 1-based): chrX:150,769,091, G>A on the plus strand (C>T on the coding strand, the complement: CD99L2 is on the minus strand). VCF-style: chrX-150769091-G-A. GRCh37 (hg19) VCF-style: chrX-149937564-G-A.
Other names: c.513C>T, p.Ser171= (NM_001184808.2); c.762C>T, p.Ser254= (NM_001242614.2); c.516C>T, p.Ser172= (NM_134445.4); c.585C>T, p.Ser195= (NM_134446.4).
Identifiers: ClinVar variation 2661638 (VCV002661638.24), dbSNP rs199773498, ClinGen allele CA10539756.